The following is an entry in ClinVar:

NM_000069.3(CACNA1S):c.1686GCT[5] (p.Leu566_Phe567insLeu)

Gene: CACNA1S (calcium voltage-gated channel subunit alpha1 S; minus strand). Cytogenetic location: 1q32.1.
Variant type: Microsatellite.
Coding change: c.1686GCT[5] on transcript NM_000069.3 (MANE Select); five copies in a row of the 3-base unit GCT starting at c.1686; the reference has four copies in a row; one copy, 3 bases duplicated.
Protein change: p.Leu566_Phe567insLeu.
Genome position (GRCh38, 1-based): chr1:201,077,050-201,077,052, AGC duplicated on the plus strand (GCT on the coding strand, the reverse complement: CACNA1S is on the minus strand); duplicating any 3 consecutive bases within chr1:201,077,050-201,077,063 gives the same sequence; the position shown is the placement nearest the transcript's 3' end. VCF-style (leftmost placement, unchanged base first): chr1-201077049-G-GAGC. GRCh37 (hg19) VCF-style: chr1-201046177-G-GAGC.
Identifiers: ClinVar variation 4787527 (VCV004787527.1).

ClinVar aggregate classification (germline): Uncertain significance (1 of 4 stars; one submission).

Conditions:
Malignant hyperthermia, susceptibility to, 5 (MHS5). Also called: CACNA1S-Related Malignant Hyperthermia Susceptibility. Identifiers: Orphanet 423, MedGen C1866077, MONDO:0011163, OMIM 601887.
Hypokalemic periodic paralysis, type 1. Also called: HypoPP; Hypokalemic Periodic Paralysis Type 1 (AD). Identifiers: Orphanet 681, MedGen C3714580, MONDO:0042979, OMIM 170400.

Submission:

Labcorp Genetics (formerly Invitae), Labcorp
Classification: Uncertain significance for Hypokalemic periodic paralysis, type 1; Malignant hyperthermia, susceptibility to, 5. Last evaluated: 2025-03-13. Review status: criteria provided, single submitter. Criteria: Invitae Variant Classification Sherloc (09022015). Collection method: clinical testing. Allele origin: germline.
Comment: This variant, c.1695_1697dup, results in the insertion of 1 amino acid(s) of the CACNA1S protein (p.Leu566dup), but otherwise preserves the integrity of the reading frame. This variant is not present in population databases (gnomAD no frequency). This variant has not been reported in the literature in individuals affected with CACNA1S-related conditions. Experimental studies and prediction algorithms are not available or were not evaluated, and the functional significance of this variant is currently unknown. In summary, the available evidence is currently insufficient to determine the role of this variant in disease. Therefore, it has been classified as a Variant of Uncertain Significance.